The following continues an entry in ClinVar:

NM_000152.5(GAA):c.1798C>T (p.Arg600Cys)

Gene: GAA. ClinVar aggregate classification (germline): Pathogenic. Pathogenic (1).

Submissions 8 to 9 of 9:

Broad Center for Mendelian Genomics, Broad Institute of MIT and Harvard
Classification: Pathogenic for Glycogen storage disease, type II. Last evaluated: 2020-01-22. Review status: criteria provided, single submitter. Criteria: ACMG Guidelines, 2015. Collection method: curation. Allele origin: germline. Inheritance: Autosomal recessive inheritance. Not counted in ClinVar's aggregate classification.
Comment: The p.Arg600Cys variant in GAA has been reported in at least 14 individuals with glycogen storage disease II (PMID: 24384324, 19609281, 21982629, 20202878, 18458862, 14695532, 11053688) and has been identified in 0.003% (1/30610) of South Asian chromosomes by the Genome Aggregation Database (gnomAD; dbSNP rs764670084). Although this variant has been seen in the general population, its frequency is low enough to be consistent with a recessive carrier frequency. In vitro functional studies using COS cells and fibroblast cells transfected with the variant provide some evidence that the p.Arg600Cys variant may impact protein function (PMID: 11053688, 14695532). However, these types of assays may not accurately represent biological function. The phenotype of individuals heterozygous for this variant is highly specific for glycogen storage disease II based on GAA enzyme activity in fibroblasts being <10% of wild type, consistent with disease (PMID: 24384324, 19609281, 21982629, 18458862, 14695532, 14643388). Computational prediction tools and conservation analyses suggest that this variant may impact the protein, though this information is not predictive enough to determine pathogenicity. Additionally, the presence of this variant in combination with reported pathogenic and likely pathogenic variants and in 8 individuals with glycogen storage disease II increases the likelihood that the p.Arg600Cys variant is pathogenic (VariationID: 371305, 4033, 189172; PMID: 24384324, 19609281, 21982629, 20202878, 18458862, 14695532, 14643388). One additional pathogenic variant, resulting in a different amino acid change at the same position, p.Arg600His, has been reported in association with disease in the literature and ClinVar, supporting that a change at this position may not be tolerated (Variation ID: 370130; PMID: 22676651, 21920843, 18757064, 27649523, 24715333, 18995995, 10338092). In summary, this variant meets criteria to be classified as pathogenic for glycogen storage disease II in an autosomal recessive manner based on the presence of the variant in combination with other pathogenic variants in affected individuals, in vitro studies demonstrating an impact on protein function, and the low frequency of the variant in the general population. ACMG/AMP Criteria applied: PM3_strong, PS3, PM5, PM2, PP3, PP4 (Richards 2015).

Natera, Inc.
Classification: Pathogenic for Glycogen storage disease type II. Last evaluated: 2020-09-15. Review status: no assertion criteria provided. Collection method: clinical testing. Allele origin: germline. Not counted in ClinVar's aggregate classification.

Literature cited by the submitters: PubMed 39835171 (cited by Genomenon, Inc); PubMed 38043017 (cited by Genomenon, Inc); PubMed 37087815 (cited by Genomenon, Inc); PubMed 36105079 (cited by Genomenon, Inc); PubMed 36074069 (cited by Genomenon, Inc); PubMed 34922579 (cited by Genomenon, Inc); PubMed 33168984 (cited by Genomenon, Inc); PubMed 27417441 (cited by Genomenon, Inc); PubMed 26497565 (cited by Genomenon, Inc); PubMed 29124014 (cited by 3 submitters); PubMed 33560568 (cited by Genomenon, Inc); PubMed 14695532 (cited by 4 submitters); PubMed 19862843 (cited by Genomenon, Inc); PubMed 11053688 (cited by 4 submitters); PubMed 20202878 (cited by 3 submitters); PubMed 25213570 (cited by Labcorp Genetics (formerly Invitae), Labcorp and Dasa); PubMed 27344650 (cited by Labcorp Genetics (formerly Invitae), Labcorp and Dasa); PubMed 29044175 (cited by Labcorp Genetics (formerly Invitae), Labcorp and Dasa); PubMed 25973016 (cited by Dasa); PubMed 14643388 (cited by Broad Center for Mendelian Genomics, Broad Institute of MIT and Harvard); PubMed 19609281 (cited by Broad Center for Mendelian Genomics, Broad Institute of MIT and Harvard); PubMed 18458862 (cited by Broad Center for Mendelian Genomics, Broad Institute of MIT and Harvard); PubMed 24384324 (cited by Broad Center for Mendelian Genomics, Broad Institute of MIT and Harvard); PubMed 21982629 (cited by Broad Center for Mendelian Genomics, Broad Institute of MIT and Harvard).